The following is an entry in ClinVar:

NM_024649.5(BBS1):c.747_748del (p.Phe250fs)

Genes: BBS1 (Bardet-Biedl syndrome 1; plus strand), ZDHHC24 (zDHHC palmitoyltransferase 24; minus strand). Cytogenetic location: 11q13.2.
Variant type: Deletion.
Coding change: c.747_748del on transcript NM_024649.5 (MANE Select); coding-DNA positions 747 to 748, 2 bases deleted (CT; older notation c.747_748delCT).
Protein change: p.Phe250fs; shifts the reading frame from phenylalanine 250.
Molecular consequence: frameshift variant. On other transcripts: 3 prime UTR variant (1).
Genome position (GRCh38, 1-based): chr11:66,521,293-66,521,294, CT deleted; deleting any 2 consecutive bases within chr11:66,521,292-66,521,294 gives the same sequence; the c. name uses the placement nearest the transcript's 3' end. VCF-style (leftmost placement, unchanged base first): chr11-66521291-GTC-G. GRCh37 (hg19) VCF-style: chr11-66288762-GTC-G.
Other names: c.*195_*196del (NM_001348571.2); short protein forms F250fs.
Identifiers: ClinVar variation 2747397 (VCV002747397.3), dbSNP rs2495760139, ClinGen allele CA2697548712.

ClinVar aggregate classification (germline): Pathogenic (1 of 4 stars; one submission).

Conditions:
Bardet-Biedl syndrome (BBS). Identifiers: Orphanet 110, MedGen C0752166, MONDO:0015229.

Submission:

Labcorp Genetics (formerly Invitae), Labcorp
Classification: Pathogenic for Bardet-Biedl syndrome. Last evaluated: 2023-07-27. Review status: criteria provided, single submitter. Criteria: Invitae Variant Classification Sherloc (09022015). Collection method: clinical testing. Allele origin: germline.
Comment: For these reasons, this variant has been classified as Pathogenic. This variant has not been reported in the literature in individuals affected with BBS1-related conditions. This variant is not present in population databases (gnomAD no frequency). This sequence change creates a premature translational stop signal (p.Phe250Profs*8) in the BBS1 gene. It is expected to result in an absent or disrupted protein product. Loss-of-function variants in BBS1 are known to be pathogenic (PMID: 12118255, 21520335, 27032803).

Literature cited by the submitters: PubMed 12118255; PubMed 21520335; PubMed 27032803.